The following is an entry in ClinVar:

NM_006766.5(KAT6A):c.3670_3675del (p.Lys1224_Glu1225del)

Gene: KAT6A (lysine acetyltransferase 6A; minus strand). Cytogenetic location: 8p11.21.
Variant type: Deletion.
Coding change: c.3670_3675del on transcript NM_006766.5 (MANE Select); coding-DNA positions 3670 to 3675, 6 bases deleted (AAGGAG; older notation c.3670_3675delAAGGAG).
Protein change: p.Lys1224_Glu1225del.
Molecular consequence: inframe deletion.
Genome position (GRCh38, 1-based): chr8:41,934,545-41,934,550, CTCCTT deleted on the plus strand (AAGGAG on the coding strand, the reverse complement: KAT6A is on the minus strand); deleting any 6 consecutive bases within chr8:41,934,545-41,934,551 gives the same sequence; the c. name uses the placement nearest the transcript's 3' end. VCF-style (leftmost placement, unchanged base first): chr8-41934544-CCTCCTT-C. GRCh37 (hg19) VCF-style: chr8-41792062-CCTCCTT-C.
Other names: c.3670_3675delAAGGAG (NM_006766.3).
Identifiers: ClinVar variation 1302094 (VCV001302094.6), dbSNP rs1821752448, ClinGen allele CA1779196413.

ClinVar aggregate classification (germline): Uncertain significance. Review status: criteria provided, multiple submitters, no conflicts (2 of 4 stars). 3 submissions from 3 submitters: Uncertain significance (3). Last evaluated 2026-01-12.

Conditions:
Inborn genetic diseases. Identifiers: MedGen C0950123, MeSH D030342.

Submissions (3):

Ambry Genetics
Classification: Uncertain significance for Inborn genetic diseases. Last evaluated: 2026-01-12. Review status: criteria provided, single submitter. Criteria: Ambry Variant Classification Scheme 2023. Collection method: clinical testing. Allele origin: germline.
Comment: The c.3670_3675delAAGGAG (p.K1224_E1225del) alteration is located in exon 17 (coding exon 16) of the KAT6A gene. This alteration consists of an in-frame deletion of 6 nucleotides between nucleotide positions c.3670 and c.3675, resulting in the deletion of 2 residues. This variant was not reported in population-based cohorts in the Genome Aggregation Database (gnomAD). These amino acid positions are highly conserved in available vertebrate species. Based on insufficient or conflicting evidence, the clinical significance of this alteration remains unclear.

Labcorp Genetics (formerly Invitae), Labcorp
Classification: Uncertain significance. Last evaluated: 2023-08-28. Review status: criteria provided, single submitter. Criteria: Invitae Variant Classification Sherloc (09022015). Collection method: clinical testing. Allele origin: germline.
Comment: This variant, c.3670_3675del, results in the deletion of 2 amino acid(s) of the KAT6A protein (p.Lys1224_Glu1225del), but otherwise preserves the integrity of the reading frame. This variant is not present in population databases (gnomAD no frequency). This variant has not been reported in the literature in individuals affected with KAT6A-related conditions. ClinVar contains an entry for this variant (Variation ID: 1302094). Experimental studies and prediction algorithms are not available or were not evaluated, and the functional significance of this variant is currently unknown. In summary, the available evidence is currently insufficient to determine the role of this variant in disease. Therefore, it has been classified as a Variant of Uncertain Significance.

GeneDx
Classification: Uncertain significance. Last evaluated: 2019-06-20. Review status: criteria provided, single submitter. Criteria: GeneDx Variant Classification Process June 2021. Collection method: clinical testing. Allele origin: germline. Affected: yes.
Comment: Not observed in large population cohorts (Lek et al., 2016); In-frame deletion of 2 amino acids in a non-repeat region; In silico analysis, which includes protein predictors and evolutionary conservation, supports a deleterious effect; Has not been previously published as pathogenic or benign to our knowledge